The following is an entry in ClinVar:

ClinVar aggregate classification (germline): Pathogenic. Review status: criteria provided, multiple submitters, no conflicts (2 of 4 stars). 2 submissions from 2 submitters: Pathogenic (2). Last evaluated 2023-05-04.

Conditions:
Arrhythmogenic cardiomyopathy with wooly hair and keratoderma. Also called: Carvajal syndrome; Dilated cardiomyopathy with woolly hair and keratoderma; Arrhythmogenic cardiomyopathy with woolly hair and keratoderma; PALMOPLANTAR KERATODERMA WITH LEFT VENTRICULAR CARDIOMYOPATHY AND WOOLLY HAIR. Identifiers: Orphanet 65282, MedGen C1854063, MONDO:0011581, OMIM 605676.
Arrhythmogenic right ventricular dysplasia 8 (ARVD8). Also called: Arrhythmogenic Right Ventricular Dysplasia/Cardiomyopathy 8; ARRHYTHMOGENIC RIGHT VENTRICULAR CARDIOMYOPATHY 8; ARRHYTHMOGENIC RIGHT VENTRICULAR DYSPLASIA, FAMILIAL, 8. Identifiers: MedGen C1843896, MONDO:0011831, OMIM 607450.

Submissions (2):

Labcorp Genetics (formerly Invitae), Labcorp
Classification: Pathogenic for Arrhythmogenic cardiomyopathy with wooly hair and keratoderma; Arrhythmogenic right ventricular dysplasia 8. Last evaluated: 2023-05-04. Review status: criteria provided, single submitter. Criteria: Invitae Variant Classification Sherloc (09022015). Collection method: clinical testing. Allele origin: germline.
Comment: This sequence change creates a premature translational stop signal (p.Thr2625Asnfs*19) in the DSP gene. While this is not anticipated to result in nonsense mediated decay, it is expected to disrupt the last 247 amino acid(s) of the DSP protein. This variant is not present in population databases (gnomAD no frequency). For these reasons, this variant has been classified as Pathogenic. This variant disrupts a region of the DSP protein in which other variant(s) (p.Glu2728Glyfs*11) have been determined to be pathogenic (Invitae). This suggests that this is a clinically significant region of the protein, and that variants that disrupt it are likely to be disease-causing. ClinVar contains an entry for this variant (Variation ID: 199928). This variant has not been reported in the literature in individuals affected with DSP-related conditions.

GeneDx
Classification: Pathogenic. Last evaluated: 2021-03-24. Review status: criteria provided, single submitter. Criteria: GeneDx Variant Classification Process June 2021. Collection method: clinical testing. Allele origin: germline. Affected: yes.
Comment: Has not been previously published as pathogenic or benign to our knowledge; Not observed in large population cohorts (Lek et al., 2016); Frameshift variant predicted to result in protein truncation or nonsense mediated decay in a gene for which loss-of-function is a known mechanism of disease

NM_004415.4(DSP):c.7873dup (p.Thr2625fs)

Gene: DSP (desmoplakin; plus strand). Cytogenetic location: 6p24.3.
Variant type: Duplication.
Coding change: c.7873dup on transcript NM_004415.4 (MANE Select); coding-DNA position 7873, one base duplicated (A; older notation c.7873dupA).
Protein change: p.Thr2625fs; shifts the reading frame from threonine 2625.
Molecular consequence: frameshift variant.
Genome position (GRCh38, 1-based): chr6:7,585,135, A duplicated. VCF-style (leftmost placement, unchanged base first): chr6-7585134-C-CA. GRCh37 (hg19) VCF-style: chr6-7585367-C-CA.
Other names: c.7873dup (LRG_423t1); c.6076dup, p.Thr2026fs (NM_001008844.3); c.6544dup, p.Thr2182fs (NM_001319034.2); c.7873dupA (NM_004415.2); short protein forms T2026fs, T2625fs, T2182fs.
Identifiers: ClinVar variation 199928 (VCV000199928.6), dbSNP rs794728149, ClinGen allele CA303946.